The following is an entry in ClinVar:

NM_019851.3(FGF20):c.59A>T (p.Gln20Leu)

Gene: FGF20 (fibroblast growth factor 20; minus strand). Cytogenetic location: 8p22.
Variant type: single nucleotide variant.
Coding change: c.59A>T on transcript NM_019851.3 (MANE Select); coding-DNA position 59, A replaced by T.
Protein change: p.Gln20Leu; replaces glutamine 20 with leucine.
Molecular consequence: missense variant.
Genome position (GRCh38, 1-based): chr8:17,001,974, T>A on the plus strand (A>T on the coding strand, the complement: FGF20 is on the minus strand). VCF-style: chr8-17001974-T-A. GRCh37 (hg19) VCF-style: chr8-16859483-T-A.
Other names: c.59A>T (NM_019851.2); short protein forms Q20L.
Identifiers: ClinVar variation 2195458 (VCV002195458.6), dbSNP rs368189425, ClinGen allele CA4641731.

ClinVar aggregate classification (germline): Uncertain significance. Review status: criteria provided, multiple submitters, no conflicts (2 of 4 stars). 3 submissions from 3 submitters: Uncertain significance (3). Last evaluated 2024-11-08.

Conditions:
FGF20-related disorder. Also called: FGF20-related condition.

Allele frequency attached by ClinVar (database versions not stated): ExAC 0.00008; TOPMed 0.00008; gnomAD 0.00010; ESP Exome Variant Server 0.00018.
gnomAD v4.1: 111 of 1,512,950 alleles (0.0073%); highest among the groups gnomAD compares: Non-Finnish European, 0.0085%; 1 homozygote.

Submissions (3):

PreventionGenetics, part of Exact Sciences
Classification: Uncertain significance for FGF20-related condition. Last evaluated: 2024-11-08. Review status: criteria provided, single submitter. Criteria: ACMG Guidelines, 2015. Collection method: clinical testing. Allele origin: germline.
Comment: The FGF20 c.59A>T variant is predicted to result in the amino acid substitution p.Gln20Leu. To our knowledge, this variant has not been reported in the literature. This variant is reported in 0.0090% of alleles in individuals of African descent in gnomAD. At this time, the clinical significance of this variant is uncertain due to the absence of conclusive functional and genetic evidence.

Labcorp Genetics (formerly Invitae), Labcorp
Classification: Uncertain significance. Last evaluated: 2024-10-17. Review status: criteria provided, single submitter. Criteria: Invitae Variant Classification Sherloc (09022015). Collection method: clinical testing. Allele origin: germline.
Comment: This sequence change replaces glutamine, which is neutral and polar, with leucine, which is neutral and non-polar, at codon 20 of the FGF20 protein (p.Gln20Leu). This variant is present in population databases (rs368189425, gnomAD 0.009%). This variant has not been reported in the literature in individuals affected with FGF20-related conditions. ClinVar contains an entry for this variant (Variation ID: 2195458). An algorithm developed to predict the effect of missense changes on protein structure and function (PolyPhen-2) suggests that this variant is likely to be tolerated. In summary, the available evidence is currently insufficient to determine the role of this variant in disease. Therefore, it has been classified as a Variant of Uncertain Significance.

Ambry Genetics
Classification: Uncertain significance. Last evaluated: 2024-09-08. Review status: criteria provided, single submitter. Criteria: Ambry Variant Classification Scheme 2023. Collection method: clinical testing. Allele origin: germline.